The following is an entry in ClinVar:

ClinVar aggregate classification (germline): Likely benign (1 of 4 stars; one submission).

Conditions:
Hereditary sclerosing poikiloderma with tendon and pulmonary involvement. Also called: Poikiloderma, hereditary fibrosing, with tendon contractures, myopathy, and pulmonary fibrosis. Identifiers: Orphanet 221043, MedGen C3810325, MONDO:0014310, OMIM 615704.

Submission:

Centre for Medical Genetics,  Mumbai
Classification: Likely benign for Hereditary sclerosing poikiloderma with tendon and pulmonary involvement. Last evaluated: 2026-02-19. Review status: criteria provided, single submitter. Criteria: ACMG Guidelines, 2015. Collection method: provider interpretation. Allele origin: germline. Inheritance: Autosomal dominant inheritance. Affected: no. Observed: 1 heterozygote.
Comment: The variant satisfies PM2 criteria; Extremely low frequency in gnomAD population databases. The variant satisfies PVS1 criteria; Null variant in a gene where loss of function is a known mechanism of disease. However, the variant satisfies BS2 criteria.

Literature cited by the submitters: PubMed 24268661.

NM_198947.4(FAM111B):c.5del (p.Asn2fs)

Gene: FAM111B (FAM111 trypsin like peptidase B; plus strand). Cytogenetic location: 11q12.1.
Variant type: Deletion.
Coding change: c.5del on transcript NM_198947.4 (MANE Select); coding-DNA position 5, one base deleted (A; older notation c.5delA).
Protein change: p.Asn2fs; shifts the reading frame from asparagine 2.
Molecular consequence: frameshift variant. On other transcripts: intron variant (2).
Genome position (GRCh38, 1-based): chr11:59,109,630, A deleted; the last of 2 consecutive A bases (chr11:59,109,629-59,109,630); deleting either gives the same sequence. VCF-style (leftmost placement, unchanged base first): chr11-59109628-GA-G. GRCh37 (hg19) VCF-style: chr11-58877101-GA-G.
Other names: c.-10+918del (NM_001142703.2); c.-10+2334del (NM_001142704.2); short protein forms N2fs.
Identifiers: ClinVar variation 4795891 (VCV004795891.1).
Genomic context (GRCh38, chr11:59,109,628, plus strand): 5'-CCTTGTTTCTCCATCTTATCGAGTAGTAGAAGTTAGTTACATTCTCTTTGAACTCATCAT[GA>G]ATTCCATGAAGACTGAAGAAAACAAGTCATTTAGCGCTATGGAAGATGACCAGAGGACTA-3'